The following is an entry in ClinVar:

NM_001079520.2(DACT1):c.253C>G (p.Arg85Gly)

Genes: DACT1 (dishevelled binding antagonist of beta catenin 1; plus strand), LOC130055736 (ATAC-STARR-seq lymphoblastoid silent region 5801; plus strand). Cytogenetic location: 14q23.1.
Variant type: single nucleotide variant.
Coding change: c.253C>G on transcript NM_001079520.2 (MANE Select); coding-DNA position 253, C replaced by G.
Protein change: p.Arg85Gly; replaces arginine 85 with glycine.
Molecular consequence: missense variant.
Genome position (GRCh38, 1-based): chr14:58,638,455, C>G. VCF-style: chr14-58638455-C-G. GRCh37 (hg19) VCF-style: chr14-59105173-C-G.
Other names: c.253C>G, p.Arg85Gly (NM_016651.6); short protein forms R85G.
Identifiers: ClinVar variation 2464243 (VCV002464243.4), dbSNP rs748203756, ClinGen allele CA7206515.
Genomic context (GRCh38, chr14:58,638,455, plus strand): 5'-CAAGAGCTGCTGGTCAGGGGCGCCCTGCGCGGCGCCGGGGGTGCGGGAGCCGCTGCGCCC[C>G]GCGCTGGGGAGCTACTGGGGGAGGCGGCGCAGCGCAGTCGCCTGGAGGAGAAGTTCTTGG-3'
Protein context (NP_001072988.1, residues 75-95): GAGGAGAAAP[Arg85Gly]AGELLGEAAQ

ClinVar aggregate classification (germline): Conflicting classifications of pathogenicity. Review status: criteria provided, conflicting classifications (1 of 4 stars). 2 submissions from 2 submitters: Uncertain significance (1); Likely benign (1). Last evaluated 2026-08-01.

Allele frequency attached by ClinVar (database versions not stated): TOPMed 0.00008; ExAC 0.00013; 1000 Genomes Project 30x 0.00016.
gnomAD v4.1: 187 of 1,352,124 alleles (0.014%); highest among the groups gnomAD compares: Non-Finnish European, 0.016%; no homozygotes.

Submissions (2):

CeGaT Center for Human Genetics Tuebingen
Classification: Likely benign. Last evaluated: 2026-08-01. Review status: criteria provided, single submitter. Criteria: CeGaT Center For Human Genetics Tuebingen Variant Classification Criteria Version 2. Collection method: clinical testing. Allele origin: germline. Affected: yes. Observed: 1 variant allele.
Comment: DACT1: BS1

Ambry Genetics
Classification: Uncertain significance. Last evaluated: 2025-11-20. Review status: criteria provided, single submitter. Criteria: Ambry Variant Classification Scheme 2023. Collection method: clinical testing. Allele origin: germline.